The following is an entry in ClinVar:

NM_000059.4(BRCA2):c.6267_6269delinsC (p.Glu2089fs)

Gene: BRCA2 (BRCA2 DNA repair associated; plus strand). Cytogenetic location: 13q13.1.
Variant type: Indel.
Coding change: c.6267_6269delinsC on transcript NM_000059.4 (MANE Select); coding-DNA positions 6267 to 6269, GCA replaced by C.
Protein change: p.Glu2089fs; shifts the reading frame from glutamic acid 2089.
Molecular consequence: frameshift variant.
Genome position (GRCh38, 1-based): chr13:32,340,622-32,340,624, GCA replaced by C. VCF-style: chr13-32340622-GCA-C. GRCh37 (hg19) VCF-style: chr13-32914759-GCA-C.
Other names: 6495delGCAinsC; 6495del3insC; 6495del3INSC; c.6267_6269delGCAinsC (NM_000059.3); short protein forms E2089fs.
Identifiers: ClinVar variation 38029 (VCV000038029.34), dbSNP rs276174868, ClinGen allele CA023794.

ClinVar aggregate classification (germline): Pathogenic. Review status: reviewed by expert panel (3 of 4 stars). 18 submissions from 18 submitters: Pathogenic (1). 17 of the submissions do not count toward it. Last evaluated 2016-09-08.

Conditions:
Inherited breast cancer and ovarian cancer.
BRCA2-related disorder. Also called: BRCA2-related condition; BRCA2-related disorders. Identifiers: MedGen CN239275.
Hereditary cancer-predisposing syndrome. Also called: Neoplastic Syndromes, Hereditary; Tumor predisposition; Hereditary neoplastic syndrome; Hereditary Cancer Syndrome. Identifiers: Orphanet 140162, MedGen C0027672, MeSH D009386, MONDO:0015356.
Hereditary breast ovarian cancer syndrome. Also called: Hereditary breast and ovarian cancer syndrome (HBOC); Hereditary breast and ovarian cancer syndrome; Breast and ovarian cancer; Hereditary breast and ovarian cancer; Hereditary breast and/or ovarian cancer syndrome; BRCA1- and BRCA2-Associated Hereditary Breast and Ovarian Cancer. Identifiers: Orphanet 145, MedGen C0677776, MeSH D061325, MONDO:0003582. Disease mechanism: loss of function.
Ovarian neoplasm. Also called: Neoplasm of ovary; Ovarian tumor; Ovarian Neoplasms. Identifiers: MedGen C0919267, MeSH D010051, MONDO:0021068, HP:0100615.
Breast-ovarian cancer, familial, susceptibility to, 2 (BROVCA2). Also called: BRCA2 Hereditary Breast and Ovarian Cancer. Identifiers: Orphanet 145, MedGen C2675520, MONDO:0012933, OMIM 612555. Disease mechanism: loss of function.
Familial cancer of breast. Also called: Hereditary breast cancer; BREAST CANCER, FAMILIAL; hereditary breast carcinoma. Identifiers: Orphanet 227535, MedGen C0346153, MONDO:0016419, OMIM 114480. Disease mechanism: loss of function.

Submissions 1 to 9 of 18:

Evidence-based Network for the Interpretation of Germline Mutant Alleles (ENIGMA)
Classification: Pathogenic for Breast-ovarian cancer, familial, susceptibility to, 2. Last evaluated: 2016-09-08. Review status: reviewed by expert panel. Criteria: ENIGMA BRCA1/2 Classification Criteria (2015). Collection method: curation. Allele origin: germline.
Comment: Variant allele predicted to encode a truncated non-functional protein.

Genetics Laboratory, Great Ormond Street Hospital NHS Foundation Trust, North Thames Genomic Laboratory Hub
Classification: Pathogenic for Inherited breast cancer and ovarian cancer. Last evaluated: 2026-07-03. Review status: criteria provided, single submitter. Criteria: CanVIG BRCA Gene Specific V1.22. Collection method: clinical testing. Allele origin: germline. Affected: yes. Not counted in ClinVar's aggregate classification.
Comment: PS4_supporting, PM2_moderate, PVS1_very-strong, PM5_strong

Labcorp Genetics (formerly Invitae), Labcorp
Classification: Pathogenic for Hereditary breast ovarian cancer syndrome. Last evaluated: 2026-01-03. Review status: criteria provided, single submitter. Criteria: Invitae Variant Classification Sherloc (09022015). Collection method: clinical testing. Allele origin: germline. Not counted in ClinVar's aggregate classification.
Comment: This sequence change creates a premature translational stop signal (p.Glu2089Aspfs*2) in the BRCA2 gene. It is expected to result in an absent or disrupted protein product. Loss-of-function variants in BRCA2 are known to be pathogenic (PMID: 20104584). Information on the frequency of this variant in the gnomAD database is not available, as this variant may be reported differently in the database. This premature translational stop signal has been observed in individual(s) with breast cancer and/or ovarian cancer (PMID: 9150152, 25682074, 26681312, 26843898, 26976419, 30322717). This variant is also known as 6495G>C, 6496delCA. ClinVar contains an entry for this variant (Variation ID: 38029). For these reasons, this variant has been classified as Pathogenic.

Color Diagnostics, LLC DBA Color Health
Classification: Pathogenic for Hereditary cancer-predisposing syndrome. Last evaluated: 2025-11-03. Review status: criteria provided, single submitter. Criteria: ACMG Guidelines, 2015. Collection method: clinical testing. Allele origin: germline. Not counted in ClinVar's aggregate classification.
Comment: This variant changes three nucleotides in exon 11 of the BRCA2 gene, creating a premature translation stop signal. This variant is expected to result in an absent or non-functional protein product. This variant has been detected in at least eight individuals affected with breast and/or ovarian cancer and additional hereditary breast cancer families (PMID: 9150152, 11102986, 11139248, 25682074, 26681312, 26843898, 26976419, 32438681, 35382848Color internal data). This variant has been detected in a breast cancer case-control meta-analysis in 4/60466 cases and absent in 53461 unaffected individuals (PMID: 33471991LOVD DB-ID BRCA2_003068). Multifactorial analysis reached a combined likelihood ratio (LR) of 1.378 based on personal and family history for one carrier (PMID: 31853058). This variant has not been identified in the general population by the Genome Aggregation Database (gnomAD). Loss of BRCA2 function is a known mechanism of disease. Based on the available evidence, this variant is classified as Pathogenic.

GeneKor MSA
Classification: Pathogenic for Hereditary breast ovarian cancer syndrome. Last evaluated: 2025-06-17. Review status: criteria provided, single submitter. Criteria: ACMG Guidelines, 2015. Collection method: clinical testing. Allele origin: germline. Not counted in ClinVar's aggregate classification.
Comment: This variant is a deletion of 3 nucleotides in exon 11 of the BRCA2 mRNA c.(6267_6269delinsC), causing a frameshift after codon 2089 and the creation of a premature translation stop signal 2 amino acid residues later p.(Glu2089Aspfs*2). This is expected to result in an absent or disrupted protein product. Truncating variants in the BRCA2 gene are known to be pathogenic (PMID:20104584). This variant is not present in population databases. This sequence change, also known as c.6495G>C, 6496delCA, has been reported in several individuals affected with breast cancer (PMID:9150152, 25682074, 26681312, 26843898, 26976419). ClinVar contains entries for this variant where is listed as pathogenic (VCV000038029.31). Based on the classification criteria set by the ACMG and AMP (PMID:25741868), this variant has been classified as pathogenic.

Ambry Genetics
Classification: Pathogenic for Hereditary cancer-predisposing syndrome. Last evaluated: 2024-10-26. Review status: criteria provided, single submitter. Criteria: Ambry Variant Classification Scheme 2023. Collection method: clinical testing. Allele origin: germline. Not counted in ClinVar's aggregate classification.
Comment: The c.6267_6269delGCAinsC pathogenic mutation, located in coding exon 10 of the BRCA2 gene, results from the deletion of 3 nucleotides and insertion of one nucleotide causing a translational frameshift with a predicted alternate stop codon (p.E2089Dfs*2). This mutation has been observed in numerous hereditary breast and ovarian cancer (HBOC) families whose histories included early onset breast cancer, ovarian cancer, male breast cancer and/or triple negative breast cancer (Vehmanen P et al. Am. J. Hum. Genet. 1997 May;60:1050-8; Kiechle M et al. Hum. Mutat. 2000 Dec;16:529-30; Kwiatkowska E et al. Hum. Mutat. 2001;17:73; Wong-Brown MW et al. Breast Cancer Res. Treat. 2015 Feb;150:71-80; Susswein LR et al. Genet. Med. 2016 Aug;18:823-32; Tung N et al. J. Clin. Oncol. 2016 May;34:1460-8; Wojcik P et al. Hered Cancer Clin Pract. 2016 Feb;14:5; Carter NJ et al. Gynecol Oncol, 2018 12;151:481-488; Nilsson MP et al. Breast Cancer Res Treat, 2018 Feb;168:117-126; Rebbeck TR et al. Hum Mutat, 2018 05;39:593-620; Dorling et al. N Engl J Med. 2021 02;384:428-439). Of note, this alteration is also designated as 6495G>C + 6496delCA, 6495delGCAinsC and 6495del3insC in published literature. This variant is considered to be rare based on population cohorts in the Genome Aggregation Database (gnomAD). In addition to the clinical data presented in the literature, this alteration is expected to result in loss of function by premature protein truncation or nonsense-mediated mRNA decay. As such, this alteration is interpreted as a disease-causing mutation.

GeneDx
Classification: Pathogenic. Last evaluated: 2024-01-04. Review status: criteria provided, single submitter. Criteria: GeneDx Variant Classification Process June 2021. Collection method: clinical testing. Allele origin: germline. Affected: yes. Not counted in ClinVar's aggregate classification.
Comment: Frameshift variant predicted to result in protein truncation or nonsense mediated decay in a gene for which loss of function is a known mechanism of disease; Observed in individuals with BRCA2-related cancers (PMID: 9150152, 11139248, 26843898, 29053726, 35409996); Not observed at significant frequency in large population cohorts (gnomAD); Truncating variants in this gene are considered pathogenic by a well-established clinical consortium and/or database; Also known as 6495_6497delGCAinsC; This variant is associated with the following publications: (PMID: 9150152, 26681312, 29164420, 26843898, 11139248, 29084914, 26976419, 25682074, 11102986, 35382848, 30040829, 30322717, 32438681, 29446198, 33471991, 32210335, 29053726, 35409996)

Quest Diagnostics Nichols Institute San Juan Capistrano
Classification: Pathogenic. Last evaluated: 2023-09-20. Review status: criteria provided, single submitter. Criteria: Quest Diagnostics criteria. Collection method: clinical testing. Allele origin: unknown. Not counted in ClinVar's aggregate classification.
Comment: The BRCA2 c.6267_6269delinsC (p.Glu2089Aspfs*2) variant alters the translational reading frame of the BRCA2 mRNA and causes the premature termination of BRCA2 protein synthesis. This variant has been reported in the published literature in individuals affected with breast and/or ovarian cancer (PMIDs: 25682074 (2015), 26843898 (2016), 26976419 (2016), and 30322717 (2018)). This variant has not been reported in large, multi-ethnic general populations (Genome Aggregation Database). Based on the available information, this variant is classified as pathogenic.

Baylor Genetics
Classification: Pathogenic for Familial cancer of breast. Last evaluated: 2023-09-04. Review status: criteria provided, single submitter. Criteria: ACMG Guidelines, 2015. Collection method: clinical testing. Allele origin: unknown. Not counted in ClinVar's aggregate classification.